The following is an entry in ClinVar:

ClinVar aggregate classification (germline): Likely benign (1 of 4 stars; one submission).

Allele frequency attached by ClinVar (database versions not stated): gnomAD exomes below 0.00001.
gnomAD v4.1: 1 of 1,613,778 alleles (0.000062%); highest among the groups gnomAD compares: Non-Finnish European, 0.000085%; no homozygotes.

Submission:

GeneDx
Classification: Likely benign. Last evaluated: 2016-08-10. Review status: criteria provided, single submitter. Criteria: GeneDx Variant Classification (06012015). Collection method: clinical testing. Allele origin: germline. Affected: yes.
Comment: This variant is considered likely benign or benign based on one or more of the following criteria: it is a conservative change, it occurs at a poorly conserved position in the protein, it is predicted to be benign by multiple in silico algorithms, and/or has population frequency not consistent with disease.

NM_144573.4(NEXN):c.1890T>C (p.Tyr630=)

Gene: NEXN (nexilin F-actin binding protein; plus strand). Cytogenetic location: 1p31.1.
Variant type: single nucleotide variant.
Coding change: c.1890T>C on transcript NM_144573.4 (MANE Select); coding-DNA position 1890, T replaced by C.
Protein change: p.Tyr630=; no amino-acid change (tyrosine 630 retained).
Molecular consequence: synonymous variant.
Genome position (GRCh38, 1-based): chr1:77,942,691, T>C. VCF-style: chr1-77942691-T-C. GRCh37 (hg19) VCF-style: chr1-78408376-T-C.
Other names: c.1698T>C, p.Tyr566= (NM_001172309.2).
Identifiers: ClinVar variation 388182 (VCV000388182.1), dbSNP rs1057523025, ClinGen allele CA16603698.